The following is an entry in ClinVar:

ClinVar aggregate classification (germline): Uncertain significance (1 of 4 stars; one submission).

Allele frequency attached by ClinVar (database versions not stated): gnomAD exomes 0.00001.
gnomAD v4.1: 7 of 1,613,002 alleles (0.00043%); highest among the groups gnomAD compares: Non-Finnish European, 0.00059%; no homozygotes.

Submission:

Labcorp Genetics (formerly Invitae), Labcorp
Classification: Uncertain significance. Last evaluated: 2024-08-27. Review status: criteria provided, single submitter. Criteria: Invitae Variant Classification Sherloc (09022015). Collection method: clinical testing. Allele origin: germline.
Comment: This sequence change replaces arginine, which is basic and polar, with glutamine, which is neutral and polar, at codon 605 of the CFB protein (p.Arg605Gln). This variant is present in population databases (rs749815658, gnomAD 0.0009%). This variant has not been reported in the literature in individuals affected with CFB-related conditions. Invitae Evidence Modeling of protein sequence and biophysical properties (such as structural, functional, and spatial information, amino acid conservation, physicochemical variation, residue mobility, and thermodynamic stability) indicates that this missense variant is not expected to disrupt CFB protein function with a negative predictive value of 80%. In summary, the available evidence is currently insufficient to determine the role of this variant in disease. Therefore, it has been classified as a Variant of Uncertain Significance.

NM_001710.6(CFB):c.1814G>A (p.Arg605Gln)

Gene: CFB (complement factor B; plus strand). Cytogenetic location: 6p21.33.
Variant type: single nucleotide variant.
Coding change: c.1814G>A on transcript NM_001710.6 (MANE Select); coding-DNA position 1814, G replaced by A.
Protein change: p.Arg605Gln; replaces arginine 605 with glutamine.
Molecular consequence: missense variant.
Genome position (GRCh38, 1-based): chr6:31,950,903, G>A. VCF-style: chr6-31950903-G-A. GRCh37 (hg19) VCF-style: chr6-31918680-G-A.
Other names: short protein forms R605Q.
Identifiers: ClinVar variation 2955658 (VCV002955658.3), dbSNP rs749815658, ClinGen allele CA136897928.